The following is an entry in ClinVar:

NM_000038.6(APC):c.4561G>T (p.Glu1521Ter)

Gene: APC (APC regulator of Wnt signaling pathway; plus strand). Cytogenetic location: 5q22.2.
Variant type: single nucleotide variant.
Coding change: c.4561G>T on transcript NM_000038.6 (MANE Select); coding-DNA position 4561, G replaced by T.
Protein change: p.Glu1521Ter; replaces glutamic acid 1521 with a stop codon.
Molecular consequence: nonsense.
Genome position (GRCh38, 1-based): chr5:112,840,155, G>T. VCF-style: chr5-112840155-G-T. GRCh37 (hg19) VCF-style: chr5-112175852-G-T.
Other names: c.4561G>T, p.Glu1521Ter (NM_001127510.3, NM_001354895.2, NM_001407450.1); c.4507G>T, p.Glu1503Ter (NM_001127511.3); c.4615G>T, p.Glu1539Ter (NM_001354896.2, NM_001407447.1, NM_001407448.1 and 1 more transcripts); c.4591G>T, p.Glu1531Ter (NM_001354897.2); c.4486G>T, p.Glu1496Ter (NM_001354898.2); c.4477G>T, p.Glu1493Ter (NM_001354899.2); c.4438G>T, p.Glu1480Ter (NM_001354900.2); c.4384G>T, p.Glu1462Ter (NM_001354901.2, NM_001407453.1); and 11 more; short protein forms E1137*, E1238*, E1531*, E1420*, E1430*, E1462*, E1480*, E1511*.
Identifiers: ClinVar variation 2011698 (VCV002011698.6), dbSNP rs2149917594, ClinGen allele CA16031317.

ClinVar aggregate classification (germline): Pathogenic/Likely pathogenic. Review status: criteria provided, multiple submitters, no conflicts (2 of 4 stars). 2 submissions from 2 submitters: Pathogenic (1); Likely pathogenic (1). Last evaluated 2022-06-28.
ClinVar aggregate classification (oncogenicity): Likely oncogenic (1 of 4 stars; one submission).

Conditions:
APC-related disorder. Also called: APC-related condition.
Familial adenomatous polyposis 1 (FAP1). Also called: FAMILIAL ADENOMATOUS POLYPOSIS 1, ATTENUATED; POLYPOSIS, ADENOMATOUS INTESTINAL. Identifiers: MedGen C2713442, MONDO:0021056, OMIM 175100. Disease mechanism: loss of function.
Neoplasm. Also called: tumor; Neoplasms; Neoplasm (disease). Identifiers: MedGen C0027651, MeSH D009369, MONDO:0005070, HP:0002664.

Submissions (3):

Center for Genomic Medicine, Rigshospitalet, Copenhagen University Hospital
Classification: Likely oncogenic for Neoplasm. Last evaluated: 2026-10-16. Review status: criteria provided, single submitter. Criteria: ClinGen/CGC/VICC Guidelines for Oncogenicity, 2022. Collection method: clinical testing. Allele origin: somatic. Affected: yes.

Labcorp Genetics (formerly Invitae), Labcorp
Classification: Pathogenic for Familial adenomatous polyposis 1. Last evaluated: 2022-06-28. Review status: criteria provided, single submitter. Criteria: Invitae Variant Classification Sherloc (09022015). Collection method: clinical testing. Allele origin: germline.
Comment: This variant is expected to disrupt the EB1 and HDLG binding sites, which mediate interactions with the cytoskeleton (PMID: 15311282, 17293347). While functional studies have not been performed to directly test the effect on APC protein function, this suggests that disruption of the C-terminal portion of the protein is functionally important. For these reasons, this variant has been classified as Pathogenic. This variant disrupts a region of the APC protein in which other variant(s) (p.Tyr2645Lysfs*14) have been determined to be pathogenic (PMID: 1316610, 8381579, 9824584, 22135120, 27081525; Invitae). This suggests that this is a clinically significant region of the protein, and that variants that disrupt it are likely to be disease-causing. This variant has not been reported in the literature in individuals affected with APC-related conditions. This variant is not present in population databases (gnomAD no frequency). This sequence change creates a premature translational stop signal (p.Glu1521*) in the APC gene. While this is not anticipated to result in nonsense mediated decay, it is expected to disrupt the last 1323 amino acid(s) of the APC protein.

Blueprint Genetics
Classification: Likely pathogenic for APC-related disorders. Last evaluated: 2022-06-16. Review status: criteria provided, single submitter. Criteria: ACMG Guidelines, 2015. Collection method: clinical testing. Allele origin: germline. Affected: yes. Observed: 1 variant allele.

Literature cited by the submitters: PubMed 15311282 (cited by Labcorp Genetics (formerly Invitae), Labcorp); PubMed 17293347 (cited by Labcorp Genetics (formerly Invitae), Labcorp); PubMed 1316610 (cited by Labcorp Genetics (formerly Invitae), Labcorp); PubMed 8381579 (cited by Labcorp Genetics (formerly Invitae), Labcorp); PubMed 9824584 (cited by Labcorp Genetics (formerly Invitae), Labcorp); PubMed 22135120 (cited by Labcorp Genetics (formerly Invitae), Labcorp); PubMed 27081525 (cited by Labcorp Genetics (formerly Invitae), Labcorp).